The following is an entry in ClinVar:

NM_003901.4(SGPL1):c.460G>A (p.Glu154Lys)

Gene: SGPL1 (sphingosine-1-phosphate lyase 1; plus strand). Cytogenetic location: 10q22.1.
Variant type: single nucleotide variant.
Coding change: c.460G>A on transcript NM_003901.4 (MANE Select); coding-DNA position 460, G replaced by A.
Protein change: p.Glu154Lys; replaces glutamic acid 154 with lysine.
Molecular consequence: missense variant.
Genome position (GRCh38, 1-based): chr10:70,857,664, G>A. VCF-style: chr10-70857664-G-A. GRCh37 (hg19) VCF-style: chr10-72617421-G-A.
Other names: short protein forms E154K.
Identifiers: ClinVar variation 1909790 (VCV001909790.2), dbSNP rs746840273, ClinGen allele CA5541188.
Genomic context (GRCh38, chr10:70,857,664, plus strand): 5'-TTCTCTGCAGACGCCTTCTGGCAAGAGGGGAGAGCCTCTGGAACAGTGTACAGTGGGGAG[G>A]AGAAGCTCACTGAGCTCCTTGTGAAGGTGAGTGTCCAGTTCTTGAGGGAAGCCTGTGAGG-3'
Protein context (NP_003892.2, residues 144-164): RASGTVYSGE[Glu154Lys]KLTELLVKAY

ClinVar aggregate classification (germline): Uncertain significance (1 of 4 stars; one submission).

Allele frequency attached by ClinVar (database versions not stated): ExAC 0.00001; TOPMed 0.00002; gnomAD 0.00003; gnomAD exomes 0.00004.
gnomAD v4.1: 62 of 1,612,626 alleles (0.0038%); highest among the groups gnomAD compares: Non-Finnish European, 0.0053%; no homozygotes.

Submission:

Labcorp Genetics (formerly Invitae), Labcorp
Classification: Uncertain significance. Last evaluated: 2022-01-01. Review status: criteria provided, single submitter. Criteria: Invitae Variant Classification Sherloc (09022015). Collection method: clinical testing. Allele origin: germline.
Comment: This sequence change replaces glutamic acid, which is acidic and polar, with lysine, which is basic and polar, at codon 154 of the SGPL1 protein (p.Glu154Lys). This variant is present in population databases (rs746840273, gnomAD 0.002%). This variant has not been reported in the literature in individuals affected with SGPL1-related conditions. Algorithms developed to predict the effect of missense changes on protein structure and function output the following: SIFT: "Tolerated"; PolyPhen-2: "Benign"; Align-GVGD: "Class C0". The lysine amino acid residue is found in multiple mammalian species, which suggests that this missense change does not adversely affect protein function. In summary, the available evidence is currently insufficient to determine the role of this variant in disease. Therefore, it has been classified as a Variant of Uncertain Significance.